The following is an entry in ClinVar:

NM_206933.4(USH2A):c.401_402delinsA (p.Ser134fs)

Gene: USH2A (usherin; minus strand). Cytogenetic location: 1q41.
Variant type: Indel.
Coding change: c.401_402delinsA on transcript NM_206933.4 (MANE Select); coding-DNA positions 401 to 402, GC replaced by A.
Protein change: p.Ser134fs; shifts the reading frame from serine 134.
Molecular consequence: frameshift variant.
Genome position (GRCh38, 1-based): chr1:216,421,935-216,421,936, GC replaced by T on the plus strand (GC replaced by A on the coding strand, the reverse complement: USH2A is on the minus strand). VCF-style: chr1-216421935-GC-T. GRCh37 (hg19) VCF-style: chr1-216595277-GC-T.
Other names: c.401_402delinsA (NM_206933.2); c.401_402delinsA, p.Ser134fs (NM_007123.6); short protein forms S134fs.
Identifiers: ClinVar variation 1704650 (VCV001704650.4), dbSNP rs2527653911, ClinGen allele CA2580062158.

ClinVar aggregate classification (germline): Pathogenic/Likely pathogenic. Review status: criteria provided, multiple submitters, no conflicts (2 of 4 stars). 4 submissions from 4 submitters: Pathogenic (2); Likely pathogenic (2). Last evaluated 2026-03-04.

Conditions:
Usher syndrome type 2A. Also called: RETINAL DISEASE IN USHER SYNDROME TYPE IIA, MODIFIER OF; USHER SYNDROME, TYPE IIA. Identifiers: Orphanet 231178, Orphanet 886, MedGen C1848634, MONDO:0010169, OMIM 276901.
USH2A-related disorder. Also called: USH2A-related disorders; USH2A-related condition. Identifiers: MedGen CN239332.

Submissions (4):

Dasa
Classification: Pathogenic. Last evaluated: 2026-03-04. Review status: criteria provided, single submitter. Criteria: DASA Assertion Criteria. Collection method: clinical testing. Allele origin: germline.
Comment: NM_206933.4(USH2A):c.401_402delinsA (p.Ser134Asnfs*11) introduces a premature termination codon predicted to result in loss of normal protein function. Loss-of-function is an established mechanism of disease for this gene. This variant has been observed in affected individuals with related phenotype in a genotype context consistent with recessive disease. The variant is present at low frequency in population datasets. Based on the available data, this variant is classified as pathogenic.

Natera, Inc.
Classification: Likely pathogenic for Usher syndrome type 2A. Last evaluated: 2025-12-23. Review status: criteria provided, single submitter. Criteria: Natera Variant Classification Schema (03/2026). Collection method: clinical testing. Allele origin: germline.
Comment: The c.401_402delinsA variant in USH2A is a frameshift variant predicted to shift the reading frame beginning at codon 134 and leads to a stop codon 11 codons downstream. This variant is expected to result in nonsense mediated decay, truncation, or a dysfunctional protein product. This variant is rare in the general population with a frequency below the threshold expected for the associated phenotype(s). Given the available evidence, this variant is classified as Likely Pathogenic.

Mendelics
Classification: Pathogenic for Usher syndrome type 2A. Last evaluated: 2022-09-02. Review status: criteria provided, single submitter. Criteria: Mendelics Assertion Criteria 2019. Collection method: clinical testing. Allele origin: germline. Inheritance: Autosomal recessive inheritance.

Blueprint Genetics
Classification: Likely pathogenic for USH2A-related disorders. Last evaluated: 2021-06-14. Review status: criteria provided, single submitter. Criteria: ACMG Guidelines, 2015. Collection method: clinical testing. Allele origin: germline. Affected: yes. Observed: 1 variant allele.